The following is an entry in ClinVar:

NM_006767.4(LZTR1):c.928_931del (p.Glu310fs)

Gene: LZTR1 (leucine zipper like post translational regulator 1; plus strand). Cytogenetic location: 22q11.21.
Variant type: Deletion.
Coding change: c.928_931del on transcript NM_006767.4 (MANE Select); coding-DNA positions 928 to 931, 4 bases deleted (GAGC; older notation c.928_931delGAGC).
Protein change: p.Glu310fs; shifts the reading frame from glutamic acid 310.
Molecular consequence: frameshift variant.
Genome position (GRCh38, 1-based): chr22:20,991,764-20,991,767, GAGC deleted; deleting any 4 consecutive bases within chr22:20,991,763-20,991,767 gives the same sequence; the c. name uses the placement nearest the transcript's 3' end. VCF-style (leftmost placement, unchanged base first): chr22-20991762-ACGAG-A. GRCh37 (hg19) VCF-style: chr22-21346051-ACGAG-A.
Other names: short protein forms E310fs.
Identifiers: ClinVar variation 3238370 (VCV003238370.2), dbSNP rs2518617267.

ClinVar aggregate classification (germline): Pathogenic. Review status: criteria provided, multiple submitters, no conflicts (2 of 4 stars). 2 submissions from 2 submitters: Pathogenic (2). Last evaluated 2026-01-10.

Conditions:
Hereditary cancer-predisposing syndrome. Also called: Neoplastic Syndromes, Hereditary; Tumor predisposition; Hereditary neoplastic syndrome; Hereditary Cancer Syndrome. Identifiers: Orphanet 140162, MedGen C0027672, MeSH D009386, MONDO:0015356.
Cardiovascular phenotype. Identifiers: MedGen CN230736.

Submissions (2):

Labcorp Genetics (formerly Invitae), Labcorp
Classification: Pathogenic. Last evaluated: 2026-01-10. Review status: criteria provided, single submitter. Criteria: Invitae Variant Classification Sherloc (09022015). Collection method: clinical testing. Allele origin: germline.
Comment: This sequence change creates a premature translational stop signal (p.Glu310Cysfs*40) in the LZTR1 gene. It is expected to result in an absent or disrupted protein product. Loss-of-function variants in LZTR1 are known to be pathogenic (PMID: 24362817, 25335493, 25480913, 25795793, 29469822, 30368668, 30442762, 30442766, 30481304, 30859559). This variant is not present in population databases (gnomAD no frequency). This variant has not been reported in the literature in individuals affected with LZTR1-related conditions. ClinVar contains an entry for this variant (Variation ID: 3238370). For these reasons, this variant has been classified as Pathogenic.

Ambry Genetics
Classification: Pathogenic for Cardiovascular phenotype; Hereditary cancer-predisposing syndrome. Last evaluated: 2023-11-15. Review status: criteria provided, single submitter. Criteria: Ambry Variant Classification Scheme 2023. Collection method: clinical testing. Allele origin: germline.
Comment: The c.928_931delGAGC pathogenic mutation, located in coding exon 9 of the LZTR1 gene, results from a deletion of 4 nucleotides at nucleotide positions 928 to 931, causing a translational frameshift with a predicted alternate stop codon (p.E310Cfs*40). Loss-of-function variants in LZTR1 are related to an increased risk for schwannomas and autosomal recessive Noonan syndrome; however, such associations with autosomal dominant Noonan syndrome have not been observed (Piotrowski A et al. Nat Genet. 2014 Feb;46:182-7; Yamamoto GL et al. J Med Genet. 2015 Jun;52:413-21; Johnston JJ et al. Genet Med. 2018 10;20:1175-1185). Based on the supporting evidence, this variant is pathogenic for an increased risk of LZTR1-related schwannomatosis (SWN) and would be expected to cause autosomal recessive Noonan syndrome when present along with a second pathogenic or likely pathogenic variant on the other allele; however, the association of this alteration with autosomal dominant Noonan syndrome is unlikely.

Literature cited by the submitters: PubMed 24362817 (cited by Labcorp Genetics (formerly Invitae), Labcorp); PubMed 25335493 (cited by Labcorp Genetics (formerly Invitae), Labcorp); PubMed 25480913 (cited by Labcorp Genetics (formerly Invitae), Labcorp); PubMed 25795793 (cited by Labcorp Genetics (formerly Invitae), Labcorp); PubMed 29469822 (cited by Labcorp Genetics (formerly Invitae), Labcorp); PubMed 30368668 (cited by Labcorp Genetics (formerly Invitae), Labcorp); PubMed 30442762 (cited by Labcorp Genetics (formerly Invitae), Labcorp); PubMed 30442766 (cited by Labcorp Genetics (formerly Invitae), Labcorp); PubMed 30481304 (cited by Labcorp Genetics (formerly Invitae), Labcorp); PubMed 30859559 (cited by Labcorp Genetics (formerly Invitae), Labcorp).